The following is an entry in ClinVar:

NM_032043.3(BRIP1):c.206-2A>G

Gene: BRIP1 (BRCA1 interacting DNA helicase 1; minus strand). Cytogenetic location: 17q23.2.
Variant type: single nucleotide variant.
Coding change: c.206-2A>G on transcript NM_032043.3 (MANE Select); the canonical splice acceptor site of the intron before coding-DNA position 206, A replaced by G.
Molecular consequence: splice acceptor variant.
Genome position (GRCh38, 1-based): chr17:61,857,233, T>C on the plus strand (A>G on the coding strand, the complement: BRIP1 is on the minus strand). VCF-style: chr17-61857233-T-C. GRCh37 (hg19) VCF-style: chr17-59934594-T-C.
Identifiers: ClinVar variation 187396 (VCV000187396.57), dbSNP rs786203700, ClinGen allele CA197546.

ClinVar aggregate classification (germline): Conflicting classifications of pathogenicity. Review status: criteria provided, conflicting classifications (1 of 4 stars). 11 submissions from 11 submitters: Pathogenic (1); Likely pathogenic (2); Uncertain significance (6). 2 of the submissions do not count toward it. Last evaluated 2025-11-17.

Conditions:
Ovarian cancer. Also called: OVARIAN CANCER, SOMATIC. Identifiers: Orphanet 213500, MedGen C1140680, MONDO:0008170, OMIM 167000.
Fanconi anemia complementation group J. Also called: BRIP1-Related Fanconi Anemia. Identifiers: Orphanet 84, MedGen C1836860, MONDO:0012187, OMIM 609054.
BRIP1-related disorder. Also called: BRIP1-related condition; BRIP1-related disorders. Identifiers: MedGen CN239206.
Familial cancer of breast. Also called: hereditary breast carcinoma; BREAST CANCER, FAMILIAL; Hereditary breast cancer. Identifiers: Orphanet 227535, MedGen C0346153, MONDO:0016419, OMIM 114480. Disease mechanism: loss of function.
Hereditary cancer-predisposing syndrome. Also called: Tumor predisposition; Neoplastic Syndromes, Hereditary; Hereditary Cancer Syndrome; Hereditary neoplastic syndrome. Identifiers: Orphanet 140162, MedGen C0027672, MeSH D009386, MONDO:0015356.
Ovarian neoplasm. Also called: Ovarian tumor; Neoplasm of ovary; Ovarian Neoplasms. Identifiers: MedGen C0919267, MeSH D010051, MONDO:0021068, HP:0100615.

Allele frequency attached by ClinVar (database versions not stated): TOPMed 0.00002; gnomAD exomes below 0.00001 and 0.00001; gnomAD 0.00001.
gnomAD v4.1: 13 of 1,611,772 alleles (0.00081%); highest among the groups gnomAD compares: Admixed American, 0.0017%; no homozygotes.

Submissions (11):

Labcorp Genetics (formerly Invitae), Labcorp
Classification: Uncertain significance for Familial cancer of breast; Fanconi anemia complementation group J. Last evaluated: 2025-11-17. Review status: criteria provided, single submitter. Criteria: Invitae Variant Classification Sherloc (09022015). Collection method: clinical testing. Allele origin: germline.
Comment: This sequence change affects an acceptor splice site in intron 3 of the BRIP1 gene. RNA analysis indicates that disruption of this splice site induces altered splicing and likely results in two alternative in-frame transcripts. These alternative transcripts, one with a loss of 3 amino acid residues and the other with a loss of 4 amino acid residues, are expected to preserve the integrity of the reading-frame and as such, their functional consequence cannot be determined. This variant is present in population databases (rs786203700, gnomAD 0.0009%). Disruption of this splice site has been observed in individual(s) with ovarian cancer and breast cancer (PMID: 26720728, 29368626, 32522261). ClinVar contains an entry for this variant (Variation ID: 187396). Studies have shown that disruption of this splice site results in the activation of two different cryptic splice sites in exon 4, but the impact on the resulting protein products is unknown (internal data). In summary, the available evidence is currently insufficient to determine the role of this variant in disease. Therefore, it has been classified as a Variant of Uncertain Significance.

Ambry Genetics
Classification: Uncertain significance for Hereditary cancer-predisposing syndrome. Last evaluated: 2025-09-18. Review status: criteria provided, single submitter. Criteria: Ambry Variant Classification Scheme 2023. Collection method: clinical testing. Allele origin: germline.
Comment: The c.206-2A>G intronic variant results from an A to G substitution two nucleotides upstream from coding exon 3 in the BRIP1 gene. This variant was identified in an individual diagnosed with ovarian cancer (Norquist BM et al. JAMA Oncol. 2016 Apr;2:482-90). Alterations that disrupt the canonical splice site are expected to result in aberrant splicing. In silico splice site analysis predicts that this alteration will weaken the native splice acceptor site and will result in the creation or strengthening of a novel splice acceptor site. RNA studies have demonstrated that this alteration results in a transcript predicted to lead to proteins with an in-frame deletion of 3 amino acids and 4 amino acids; however, the exact functional impact of the deleted amino acids is unknown at this time (Ambry internal data). This nucleotide position is highly conserved in available vertebrate species. Based on the available evidence, the clinical significance of this variant remains unclear.

GeneDx
Classification: Uncertain significance. Last evaluated: 2024-02-16. Review status: criteria provided, single submitter. Criteria: GeneDx Variant Classification Process June 2021. Collection method: clinical testing. Allele origin: germline. Affected: yes.
Comment: Not observed at significant frequency in large population cohorts (gnomAD); Canonical splice site variant demonstrated to result in abnormal splicing; however, the effect on protein function is unknown (External communication with Ambry Genetics and Invitae); Observed in individuals with breast, ovarian, or other cancer, but also in unaffected controls (PMID: 26720728, 29368626, 32522261, 35988656); This variant is associated with the following publications: (PMID: 26720728, 31589614, 35988656, 32522261, 29368626)

CeGaT Center for Human Genetics Tuebingen
Classification: Likely pathogenic. Last evaluated: 2023-12-01. Review status: criteria provided, single submitter. Criteria: CeGaT Center For Human Genetics Tuebingen Variant Classification Criteria Version 2. Collection method: clinical testing. Allele origin: germline. Affected: yes. Observed: 1 variant allele.
Comment: BRIP1: PVS1:Strong, PM2

Color Diagnostics, LLC DBA Color Health
Classification: Uncertain significance for Hereditary cancer-predisposing syndrome. Last evaluated: 2023-10-18. Review status: criteria provided, single submitter. Criteria: ACMG Guidelines, 2015. Collection method: clinical testing. Allele origin: germline.
Comment: This variant causes an A to G nucleotide substitution at the canonical -2 position of intron 3 splice acceptor site of the BRIP1 gene. Splice site prediction tools predict that this variant may have a significant impact on RNA splicing. An RNA study at an external laboratory has shown that this variant results in abnormal splicing in clinical samples tested and is expected to result in an absent or non-functional protein product (ClinVar SCV000217950.5). A subsequent RNA study has shown that this variant results in transcripts with an in-frame deletion of 3 or 4 amino acids, and functional consequence of these alternate transcripts is not clear (ClinVar SCV000217950.5). This variant has been observed in individuals affected with breast and ovarian cancer (PMID: 26720728, 29368626; Color internal data) and in an unaffected individual (PMID: 32522261). This variant has been identified in 1/250636 chromosomes in the general population by the Genome Aggregation Database (gnomAD). Due to the contradictory RNA study results, this variant is classified as a Variant of Uncertain Significance.

Baylor Genetics
Classification: Uncertain significance for Familial cancer of breast. Last evaluated: 2023-10-12. Review status: criteria provided, single submitter. Criteria: ACMG Guidelines, 2015. Collection method: clinical testing. Allele origin: unknown.

Blueprint Genetics
Classification: Uncertain significance. Last evaluated: 2023-08-24. Review status: criteria provided, single submitter. Criteria: ACMG Guidelines, 2015. Collection method: clinical testing. Allele origin: germline.

Department of Molecular Diagnostics, Institute of Oncology Ljubljana
Classification: Likely pathogenic for Ovarian cancer. Last evaluated: 2020-04-02. Review status: criteria provided, single submitter. Criteria: ACMG Guidelines, 2015. Collection method: clinical testing. Allele origin: germline. Affected: yes.

Revvity Omics, Revvity
Classification: Pathogenic for Fanconi anemia complementation group J. Last evaluated: 2019-03-09. Review status: criteria provided, single submitter. Criteria: ACMG Guidelines, 2015. Collection method: clinical testing. Allele origin: germline.

PreventionGenetics, part of Exact Sciences
Classification: Likely pathogenic for BRIP1-related condition. Last evaluated: 2024-01-08. Review status: no assertion criteria provided. Collection method: clinical testing. Allele origin: germline. Not counted in ClinVar's aggregate classification.
Comment: The BRIP1 c.206-2A>G variant is predicted to disrupt the AG splice acceptor site and interfere with normal splicing. This variant was reported in an individual with ovarian cancer (Norquist et al. 2016. PubMed ID: 26720728, eTable 1) and in an individual with breast cancer (Velazquez et al. 2020. PubMed ID: 32522261, Table 2). This variant is reported in 0.00088% of alleles in individuals of European (Non-Finnish) descent in gnomAD and has conflicting interpretations of uncertain significance, likely pathogenic, and pathogenic in ClinVar. Variants that disrupt the consensus splice acceptor site in BRIP1 are expected to be pathogenic. This variant is interpreted as likely pathogenic.

Counsyl
Classification: Likely pathogenic for Fanconi anemia complementation group J; Ovarian cancer. Last evaluated: 2016-12-22. Review status: no assertion criteria provided. Collection method: clinical testing. Allele origin: unknown. Not counted in ClinVar's aggregate classification.

Literature cited by the submitters: PubMed 26720728 (cited by 4 submitters); PubMed 29368626 (cited by Labcorp Genetics (formerly Invitae), Labcorp and Color Diagnostics, LLC DBA Color Health); PubMed 32522261 (cited by Labcorp Genetics (formerly Invitae), Labcorp and Color Diagnostics, LLC DBA Color Health).